The following is an entry in ClinVar:

ClinVar aggregate classification (germline): Conflicting classifications of pathogenicity. Review status: criteria provided, conflicting classifications (1 of 4 stars). 4 submissions from 4 submitters: Pathogenic (1); Uncertain significance (2). 1 of the submissions does not count toward it. Last evaluated 2025-11-10.

Conditions:
Mauriac syndrome. Also called: Dwarfism-hepatomegaly-obesity-juvenile diabetes syndrome. Identifiers: MedGen C0221005, MONDO:0022435.
Glycogen storage disease IXc (GSD9C). Also called: GSD IXc. Identifiers: Orphanet 264580, MedGen C2751643, MONDO:0013091, OMIM 613027.

Allele frequency attached by ClinVar (database versions not stated): ExAC 0.00004; TOPMed 0.00006; gnomAD 0.00007 and 0.00008; gnomAD exomes 0.00008 and 0.00009.
gnomAD v4.1: 140 of 1,613,950 alleles (0.0087%); highest among the groups gnomAD compares: Non-Finnish European, 0.011%; no homozygotes.

Submissions (4):

Labcorp Genetics (formerly Invitae), Labcorp
Classification: Uncertain significance for Glycogen storage disease IXc. Last evaluated: 2025-11-10. Review status: criteria provided, single submitter. Criteria: Invitae Variant Classification Sherloc (09022015). Collection method: clinical testing. Allele origin: germline.
Comment: This sequence change replaces arginine, which is basic and polar, with glutamine, which is neutral and polar, at codon 309 of the PHKG2 protein (p.Arg309Gln). This variant is present in population databases (rs572115942, gnomAD 0.01%). This missense change has been observed in individual(s) with clinical features of glycogen storage disease (PMID: 27207549). ClinVar contains an entry for this variant (Variation ID: 253061). An algorithm developed to predict the effect of missense changes on protein structure and function (PolyPhen-2) suggests that this variant is likely to be disruptive. Experimental studies have shown that this missense change affects PHKG2 function (PMID: 27207549). In summary, the available evidence is currently insufficient to determine the role of this variant in disease. Therefore, it has been classified as a Variant of Uncertain Significance.

Women's Health and Genetics/Laboratory Corporation of America, LabCorp
Classification: Uncertain significance. Last evaluated: 2024-08-07. Review status: criteria provided, single submitter. Criteria: LabCorp Variant Classification Summary - May 2015. Collection method: clinical testing. Allele origin: germline.
Comment: Variant summary: PHKG2 c.926G>A (p.Arg309Gln) results in a conservative amino acid change in the encoded protein sequence. Three of five in-silico tools predict a benign effect of the variant on protein function. Consensus agreement among computation tools predict no significant impact on normal splicing. However, these predictions have yet to be confirmed by functional studies. The variant allele was found at a frequency of 8e-05 in 251014 control chromosomes. This frequency is not significantly higher than estimated for a pathogenic variant in PHKG2 causing Glycogen Phosphorylase Kinase Deficiency (8e-05 vs 0.0011), allowing no conclusion about variant significance. c.926G>A has been reported in the literature in a heterozygous individual affected with Mauriac disease (e.g. MacDonald_2016). This report does not provide unequivocal conclusions about association of the variant with Glycogen Phosphorylase Kinase Deficiency. At least one publication reports experimental evidence evaluating an impact on protein function. The most pronounced variant effect results in reduced enzyme activity and partial inhibition of glycogen breakdown under low glucose conditions in vitro (e.g. MacDonald_2016). The following publication has been ascertained in the context of this evaluation (PMID: 27207549). ClinVar contains an entry for this variant (Variation ID: 253061). Based on the evidence outlined above, the variant was classified as VUS-possibly pathogenic.

Childrens Diabetes Center, University of Wisconsin-Madison
Classification: Pathogenic for Mauriac syndrome. Last evaluated: 2016-01-19. Review status: criteria provided, single submitter. Criteria: Submitter's publication. Collection method: research. Allele origin: inherited. Affected: yes. Observed: 1 variant allele, 1 heterozygote.

OMIM
Classification: Uncertain significance for VARIANT OF UNKNOWN SIGNIFICANCE. Last evaluated: 2016-10-28. Review status: no assertion criteria provided. Collection method: literature only. Allele origin: germline. Not counted in ClinVar's aggregate classification.

Literature cited by the submitters: PubMed 27207549 (cited by 3 submitters).

NM_000294.3(PHKG2):c.926G>A (p.Arg309Gln)

Gene: PHKG2 (phosphorylase kinase catalytic subunit gamma 2; plus strand). Cytogenetic location: 16p11.2.
Variant type: single nucleotide variant.
Coding change: c.926G>A on transcript NM_000294.3 (MANE Select); coding-DNA position 926, G replaced by A.
Protein change: p.Arg309Gln; replaces arginine 309 with glutamine.
Molecular consequence: missense variant.
Genome position (GRCh38, 1-based): chr16:30,756,714, G>A. VCF-style: chr16-30756714-G-A. GRCh37 (hg19) VCF-style: chr16-30768035-G-A.
Other names: c.926G>A, p.Arg309Gln (NM_001172432.2); short protein forms R309Q.
Identifiers: ClinVar variation 253061 (VCV000253061.7), dbSNP rs572115942, ClinGen allele CA8013342.